The following is an entry in ClinVar:

ClinVar aggregate classification (germline): Uncertain significance (1 of 4 stars; one submission).

Conditions:
Cardiovascular phenotype. Identifiers: MedGen CN230736.

Submission:

Ambry Genetics
Classification: Uncertain significance for Cardiovascular phenotype. Last evaluated: 2024-11-23. Review status: criteria provided, single submitter. Criteria: Ambry Variant Classification Scheme 2023. Collection method: clinical testing. Allele origin: germline.
Comment: The p.T1898A variant (also known as c.5692A>G), located in coding exon 38 of the ANK2 gene, results from an A to G substitution at nucleotide position 5692. The threonine at codon 1898 is replaced by alanine, an amino acid with similar properties. This amino acid position is conserved. In addition, this alteration is predicted to be tolerated by in silico analysis. Based on the available evidence, the clinical significance of this variant remains unclear.

NM_001148.6(ANK2):c.5692A>G (p.Thr1898Ala)

Genes: ANK2 (ankyrin 2; plus strand), LOC126807136 (MED14-independent group 3 enhancer GRCh37_chr4:114274931-114276130; plus strand). Cytogenetic location: 4q26.
Variant type: single nucleotide variant.
Coding change: c.5692A>G on transcript NM_001148.6 (MANE Select); coding-DNA position 5692, A replaced by G.
Protein change: p.Thr1898Ala; replaces threonine 1898 with alanine.
Molecular consequence: missense variant. On other transcripts: intron variant (68).
Genome position (GRCh38, 1-based): chr4:113,354,310, A>G. VCF-style: chr4-113354310-A-G. GRCh37 (hg19) VCF-style: chr4-114275466-A-G.
Other names: c.5458A>G, p.Thr1820Ala (NM_001386142.1); c.2092A>G, p.Thr698Ala (NM_001386166.1); c.5833A>G, p.Thr1945Ala (NM_001386174.1); c.5809A>G, p.Thr1937Ala (NM_001386175.1); c.4411+4061A>G (NM_001386186.2, NM_001386148.2); c.4213+4061A>G (NM_001354269.3); c.4291+4061A>G (NM_001386187.2); c.4252+4061A>G (NM_001386147.1); and 35 more; short protein forms T1820A, T1937A, T698A, T1898A, T1945A.
Identifiers: ClinVar variation 3540578 (VCV003540578.1).